The following is an entry in ClinVar:

NM_015046.7(SETX):c.7582G>A (p.Glu2528Lys)

Gene: SETX (senataxin; minus strand). Cytogenetic location: 9q34.13.
Variant type: single nucleotide variant.
Coding change: c.7582G>A on transcript NM_015046.7 (MANE Select); coding-DNA position 7582, G replaced by A.
Protein change: p.Glu2528Lys; replaces glutamic acid 2528 with lysine.
Molecular consequence: missense variant.
Genome position (GRCh38, 1-based): chr9:132,264,691, C>T on the plus strand (G>A on the coding strand, the complement: SETX is on the minus strand). VCF-style: chr9-132264691-C-T. GRCh37 (hg19) VCF-style: chr9-135140078-C-T.
Other names: c.7582G>A, p.Glu2528Lys (NM_001351527.2); c.7669G>A, p.Glu2557Lys (NM_001351528.2); short protein forms E2528K, E2557K.
Identifiers: ClinVar variation 1481392 (VCV001481392.6), dbSNP rs2131113325, ClinGen allele CA375324580.

ClinVar aggregate classification (germline): Uncertain significance (1 of 4 stars; one submission).

Conditions:
Amyotrophic lateral sclerosis type 4 (ALS4). Also called: AMYOTROPHIC LATERAL SCLEROSIS 4, JUVENILE; NEURONOPATHY, DISTAL HEREDITARY MOTOR, WITH PYRAMIDAL FEATURES. Identifiers: Orphanet 357043, MedGen C1865409, MONDO:0011223, OMIM 602433.
Spinocerebellar ataxia, autosomal recessive, with axonal neuropathy 2 (SCAN2). Also called: Ataxia with Oculomotor Apraxia Type 2; Ataxia with Oculomotor Apraxia; Ataxia-ocular apraxia-2; ATAXIA-OCULOMOTOR APRAXIA 2. Identifiers: Orphanet 64753, MedGen C1853761, MONDO:0018996, OMIM 606002.

Submission:

Labcorp Genetics (formerly Invitae), Labcorp
Classification: Uncertain significance for Amyotrophic lateral sclerosis type 4; Spinocerebellar ataxia, autosomal recessive, with axonal neuropathy 2. Last evaluated: 2021-09-26. Review status: criteria provided, single submitter. Criteria: Invitae Variant Classification Sherloc (09022015). Collection method: clinical testing. Allele origin: germline.
Comment: In summary, the available evidence is currently insufficient to determine the role of this variant in disease. Therefore, it has been classified as a Variant of Uncertain Significance. Advanced modeling of protein sequence and biophysical properties (such as structural, functional, and spatial information, amino acid conservation, physicochemical variation, residue mobility, and thermodynamic stability) performed at Invitae indicates that this missense variant is not expected to disrupt SETX protein function. This variant has not been reported in the literature in individuals affected with SETX-related conditions. This variant is not present in population databases (ExAC no frequency). This sequence change replaces glutamic acid with lysine at codon 2528 of the SETX protein (p.Glu2528Lys). The glutamic acid residue is weakly conserved and there is a small physicochemical difference between glutamic acid and lysine.